The following is an entry in ClinVar:

NM_001283009.2(RTEL1):c.316A>G (p.Ile106Val)

Genes: RTEL1 (regulator of telomere elongation helicase 1; plus strand), RTEL1-TNFRSF6B (RTEL1-TNFRSF6B readthrough (NMD candidate); plus strand). Cytogenetic location: 20q13.33.
Variant type: single nucleotide variant.
Coding change: c.316A>G on transcript NM_001283009.2 (MANE Select); coding-DNA position 316, A replaced by G.
Protein change: p.Ile106Val; replaces isoleucine 106 with valine.
Molecular consequence: missense variant. On other transcripts: 5 prime UTR variant (1), non-coding transcript variant (1).
Genome position (GRCh38, 1-based): chr20:63,661,864, A>G. VCF-style: chr20-63661864-A-G. GRCh37 (hg19) VCF-style: chr20-62293217-A-G.
Other names: c.-354A>G (NM_001283010.1); c.316A>G, p.Ile106Val (NM_016434.4, NM_032957.5); short protein forms I106V.
Identifiers: ClinVar variation 3790952 (VCV003790952.1).

ClinVar aggregate classification (germline): Uncertain significance (1 of 4 stars; one submission).

Conditions:
Inborn genetic diseases. Identifiers: MedGen C0950123, MeSH D030342.

gnomAD v4.1: 3 of 1,614,126 alleles (0.00019%); highest among the groups gnomAD compares: Non-Finnish European, 0.00017%; no homozygotes.

Submission:

Ambry Genetics
Classification: Uncertain significance for Inborn genetic diseases. Last evaluated: 2024-12-14. Review status: criteria provided, single submitter. Criteria: Ambry Variant Classification Scheme 2023. Collection method: clinical testing. Allele origin: germline.
Comment: The p.I106V variant (also known as c.316A>G), located in coding exon 3 of the RTEL1 gene, results from an A to G substitution at nucleotide position 316. The isoleucine at codon 106 is replaced by valine, an amino acid with highly similar properties. This amino acid position is conserved. In addition, this alteration is predicted to be tolerated by in silico analysis. Based on the available evidence, the clinical significance of this variant remains unclear.